The following is an entry in ClinVar:

NM_001457.4(FLNB):c.2074A>G (p.Ile692Val)

Gene: FLNB (filamin B; plus strand). Cytogenetic location: 3p14.3.
Variant type: single nucleotide variant.
Coding change: c.2074A>G on transcript NM_001457.4 (MANE Select); coding-DNA position 2074, A replaced by G.
Protein change: p.Ile692Val; replaces isoleucine 692 with valine.
Molecular consequence: missense variant.
Genome position (GRCh38, 1-based): chr3:58,109,197, A>G. VCF-style: chr3-58109197-A-G. GRCh37 (hg19) VCF-style: chr3-58094924-A-G.
Other names: c.2074A>G, p.Ile692Val (NM_001164317.2, NM_001164318.2, NM_001164319.2); short protein forms I692V.
Identifiers: ClinVar variation 4990294 (VCV004990294.1).

ClinVar aggregate classification (germline): Uncertain significance (1 of 4 stars; one submission).

Conditions:
FLNB-related disorder. Also called: FLNB-related disorders; FLNB-related condition. Identifiers: MedGen CN381095.

Submission:

PreventionGenetics, part of Exact Sciences
Classification: Uncertain significance for FLNB-related condition. Last evaluated: 2025-08-19. Review status: criteria provided, single submitter. Criteria: ACMG Guidelines, 2015. Collection method: clinical testing. Allele origin: germline.
Comment: The FLNB c.2074A>G variant is predicted to result in the amino acid substitution p.Ile692Val. To our knowledge, this variant has not been reported in the literature or in a large population database (gnomAD), indicating this variant is rare. At this time, the clinical significance of this variant is uncertain due to the absence of conclusive functional and genetic evidence.